The following is an entry in ClinVar:

NM_001365276.2(TNXB):c.4988C>T (p.Thr1663Met)

Gene: TNXB (tenascin XB; minus strand). Cytogenetic location: 6p21.33.
Variant type: single nucleotide variant.
Coding change: c.4988C>T on transcript NM_001365276.2 (MANE Select); coding-DNA position 4988, C replaced by T.
Protein change: p.Thr1663Met; replaces threonine 1663 with methionine.
Molecular consequence: missense variant.
Genome position (GRCh38, 1-based): chr6:32,071,992, G>A on the plus strand (C>T on the coding strand, the complement: TNXB is on the minus strand). VCF-style: chr6-32071992-G-A. GRCh37 (hg19) VCF-style: chr6-32039769-G-A.
Other names: c.4988C>T, p.Thr1663Met (NM_019105.8); short protein forms T1663M.
Identifiers: ClinVar variation 1304832 (VCV001304832.20), dbSNP rs571091666, ClinGen allele CA3734839.

ClinVar aggregate classification (germline): Uncertain significance. Review status: criteria provided, multiple submitters, no conflicts (2 of 4 stars). 4 submissions from 4 submitters: Uncertain significance (4). Last evaluated 2025-07-22.

Conditions:
Cardiovascular phenotype. Identifiers: MedGen CN230736.

Allele frequency attached by ClinVar (database versions not stated): gnomAD exomes 0.00002 and 0.00004; ExAC 0.00003; gnomAD 0.00004 and 0.00005; TOPMed 0.00008; 1000 Genomes Project 30x 0.00016; 1000 Genomes Project 0.00020.
gnomAD v4.1: 43 of 1,596,232 alleles (0.0027%); highest among the groups gnomAD compares: Admixed American, 0.022%; no homozygotes.

Submissions (4):

Women's Health and Genetics/Laboratory Corporation of America, LabCorp
Classification: Uncertain significance. Last evaluated: 2025-07-22. Review status: criteria provided, single submitter. Criteria: LabCorp Variant Classification Summary - May 2015. Collection method: clinical testing. Allele origin: germline.
Comment: Variant summary: TNXB c.4988C>T (p.Thr1663Met) results in a non-conservative amino acid change in the encoded protein sequence. Algorithms developed to predict the effect of missense changes on protein structure and function are either unavailable or do not agree on the potential impact of this missense change. The variant is located close to a splice-site and several computational tools predict a significant impact on normal splicing: three predict the variant weakens a 5' donor site, while one predicts no significant impact on splicing. However, these predictions have yet to be confirmed by functional studies. The variant allele was found at a frequency of 4.2e-05 in 239054 control chromosomes (gnomAD). This frequency is not significantly higher than estimated for a pathogenic variant in TNXB causing Ehlers-Danlos syndrome due to tenascin-X deficiency (0.0011), allowing no conclusion about variant significance. To our knowledge, no occurrence of c.4988C>T in individuals affected with Ehlers-Danlos syndrome due to tenascin-X deficiency and no experimental evidence demonstrating its impact on protein function have been reported. ClinVar contains an entry for this variant (Variation ID: 1304832). Based on the evidence outlined above, the variant was classified as uncertain significance.

Ambry Genetics
Classification: Uncertain significance for Cardiovascular phenotype. Last evaluated: 2024-12-23. Review status: criteria provided, single submitter. Criteria: Ambry Variant Classification Scheme 2023. Collection method: clinical testing. Allele origin: germline.
Comment: The p.T1663M variant (also known as c.4988C>T), located in coding exon 12 of the TNXB gene, results from a C to T substitution at nucleotide position 4988. The threonine at codon 1663 is replaced by methionine, an amino acid with similar properties. This amino acid position is highly conserved in available vertebrate species. In addition, this alteration is predicted to be tolerated by in silico analysis. Based on the available evidence, the clinical significance of this variant remains unclear.

CeGaT Center for Human Genetics Tuebingen
Classification: Uncertain significance. Last evaluated: 2024-09-01. Review status: criteria provided, single submitter. Criteria: CeGaT Center For Human Genetics Tuebingen Variant Classification Criteria Version 2. Collection method: clinical testing. Allele origin: germline. Affected: yes. Observed: 1 variant allele.
Comment: TNXB: PM2

GeneDx
Classification: Uncertain significance. Last evaluated: 2024-02-23. Review status: criteria provided, single submitter. Criteria: GeneDx Variant Classification Process June 2021. Collection method: clinical testing. Allele origin: germline. Affected: yes.
Comment: Has not been previously published as pathogenic or benign to our knowledge; In silico analysis, which includes protein predictors and evolutionary conservation, supports a deleterious effect